The following is an entry in ClinVar:

NM_001184.4(ATR):c.397C>T (p.Leu133Phe)

Gene: ATR (ATR serine/threonine kinase; minus strand). Cytogenetic location: 3q23.
Variant type: single nucleotide variant.
Coding change: c.397C>T on transcript NM_001184.4 (MANE Select); coding-DNA position 397, C replaced by T.
Protein change: p.Leu133Phe; replaces leucine 133 with phenylalanine.
Molecular consequence: missense variant.
Genome position (GRCh38, 1-based): chr3:142,563,005, G>A on the plus strand (C>T on the coding strand, the complement: ATR is on the minus strand). VCF-style: chr3-142563005-G-A. GRCh37 (hg19) VCF-style: chr3-142281847-G-A.
Other names: c.397C>T, p.Leu133Phe (NM_001354579.2); short protein forms L133F.
Identifiers: ClinVar variation 1736685 (VCV001736685.2), dbSNP rs146413649, ClinGen allele CA84756085.

ClinVar aggregate classification (germline): Uncertain significance (1 of 4 stars; one submission).

Conditions:
Inborn genetic diseases. Identifiers: MedGen C0950123, MeSH D030342.

Submission:

Ambry Genetics
Classification: Uncertain significance for Inborn genetic diseases. Last evaluated: 2022-09-29. Review status: criteria provided, single submitter. Criteria: Ambry Variant Classification Scheme 2023. Collection method: clinical testing. Allele origin: germline.
Comment: The p.L133F variant (also known as c.397C>T), located in coding exon 4 of the ATR gene, results from a C to T substitution at nucleotide position 397. The leucine at codon 133 is replaced by phenylalanine, an amino acid with highly similar properties. This amino acid position is conserved. In addition, the in silico prediction for this alteration is inconclusive. Since supporting evidence is limited at this time, the clinical significance of this alteration remains unclear.